The following is an entry in ClinVar:

ClinVar aggregate classification (germline): Uncertain significance (1 of 4 stars; one submission).

Conditions:
Familial acute necrotizing encephalopathy (IIAE3). Also called: ENCEPHALOPATHY, ACUTE, INFECTION-INDUCED, SUSCEPTIBILITY TO, 3; Susceptibility to Acute Necrotizing Encephalopathy 1. Identifiers: Orphanet 88619, MedGen C2675556, MONDO:0011953, OMIM 608033.

Allele frequency attached by ClinVar (database versions not stated): gnomAD exomes below 0.00001; ExAC 0.00001; gnomAD 0.00002; TOPMed 0.00002.
gnomAD v4.1: 4 of 1,611,806 alleles (0.00025%); highest among the groups gnomAD compares: African/African-American, 0.0053%; no homozygotes.

Submission:

Labcorp Genetics (formerly Invitae), Labcorp
Classification: Uncertain significance for Familial acute necrotizing encephalopathy. Last evaluated: 2022-07-12. Review status: criteria provided, single submitter. Criteria: Invitae Variant Classification Sherloc (09022015). Collection method: clinical testing. Allele origin: germline.
Comment: ClinVar contains an entry for this variant (Variation ID: 583133). In summary, the available evidence is currently insufficient to determine the role of this variant in disease. Therefore, it has been classified as a Variant of Uncertain Significance. Algorithms developed to predict the effect of sequence changes on RNA splicing suggest that this variant may create or strengthen a splice site. This variant has not been reported in the literature in individuals affected with RANBP2-related conditions. This variant is not present in population databases (gnomAD no frequency). This sequence change affects codon 823 of the RANBP2 mRNA. It is a 'silent' change, meaning that it does not change the encoded amino acid sequence of the RANBP2 protein.

NM_006267.5(RANBP2):c.2469A>G (p.Lys823=)

Gene: RANBP2 (RAN binding protein 2; plus strand). Cytogenetic location: 2q13.
Variant type: single nucleotide variant.
Coding change: c.2469A>G on transcript NM_006267.5 (MANE Select); coding-DNA position 2469, A replaced by G.
Protein change: p.Lys823=; no amino-acid change (lysine 823 retained).
Molecular consequence: synonymous variant.
Genome position (GRCh38, 1-based): chr2:108,758,415, A>G. VCF-style: chr2-108758415-A-G. GRCh37 (hg19) VCF-style: chr2-109374871-A-G.
Identifiers: ClinVar variation 583133 (VCV000583133.9), dbSNP rs763497305, ClinGen allele CA1822719.
Genomic context (GRCh38, chr2:108,758,415, plus strand): 5'-TTTCTGTCATGATATAATTAAATGTTTAAAATTATTTGATTTTTTTTTCTTCCAATAGAA[A>G]GAAATGCAGGAGTTGAAACTAAATAGCAGTAACTCAGCATCCCCTCATCGTTGGCCCACA-3'
Protein context (NP_006258.3, residues 813-833): MICQQVEAIK[Lys823=]EMQELKLNSS